The following is an entry in ClinVar:

NM_001165963.4(SCN1A):c.413T>G (p.Ile138Ser)

Gene: SCN1A (sodium voltage-gated channel alpha subunit 1; minus strand). Cytogenetic location: 2q24.3.
Variant type: single nucleotide variant.
Coding change: c.413T>G on transcript NM_001165963.4 (MANE Select); coding-DNA position 413, T replaced by G.
Protein change: p.Ile138Ser; replaces isoleucine 138 with serine.
Molecular consequence: missense variant. On other transcripts: 5 prime UTR variant (1), non-coding transcript variant (1).
Genome position (GRCh38, 1-based): chr2:166,056,471, A>C on the plus strand (T>G on the coding strand, the complement: SCN1A is on the minus strand). VCF-style: chr2-166056471-A-C. GRCh37 (hg19) VCF-style: chr2-166912981-A-C.
Other names: c.413T>G, p.Ile138Ser (NM_001165964.3, NM_001202435.3, NM_001353948.2 and 10 more transcripts); c.-2013T>G (NM_001353961.2); short protein forms I138S.
Identifiers: ClinVar variation 449901 (VCV000449901.18), dbSNP rs1553552390, ClinGen allele CA349076052.

ClinVar aggregate classification (germline): Pathogenic/Likely pathogenic. Review status: criteria provided, multiple submitters, no conflicts (2 of 4 stars). 3 submissions from 3 submitters: Pathogenic (2); Likely pathogenic (1). Last evaluated 2026-07-27.

Conditions:
SCN1A-related disorder. Also called: SCN1A-related disorders; SCN1A-related conditions; SCN1A-related condition.
Early-infantile DEE. Also called: Early infantile epileptic encephalopathy with suppression bursts; Early infantile epileptic encephalopathy; Ohtahara syndrome. Identifiers: Orphanet 1934, MedGen C0393706, MONDO:0800491.

Allele frequency attached by ClinVar (database versions not stated): gnomAD 0.00001.
gnomAD v4.1: 1 of 1,606,504 alleles (0.000062%); highest among the groups gnomAD compares: African/African-American, 0.0013%; no homozygotes.

Submissions (3):

GeneDx
Classification: Pathogenic. Last evaluated: 2026-07-27. Review status: criteria provided, single submitter. Criteria: GeneDx Variant Classification Process June 2021. Collection method: clinical testing. Allele origin: germline.
Comment: This substitution is predicted to be within the transmembrane segment S1 of the first homologous domain; Not observed at significant frequency in large population cohorts (gnomAD); In silico analysis supports that this missense variant has a deleterious effect on protein structure/function; Has not been previously published as pathogenic or benign to our knowledge

3billion
Classification: Likely pathogenic for SCN1A-related disorder. Last evaluated: 2025-10-30. Review status: criteria provided, single submitter. Criteria: ACMG Guidelines, 2015. Collection method: clinical testing. Allele origin: germline. Affected: yes.
Comment: The variant is observed at an extremely low frequency in the gnomAD v4.1.0 dataset (total allele frequency: <0.001%). Predicted Consequence/Location: Missense variant In silico tool predictions suggest damaging effect of the variant on gene or gene product [REVEL: 0.94 (>=0.6, sensitivity 0.68 and specificity 0.92); 3Cnet: 1.00 (> 0.75, sensitivity 0.96 and precision 0.92)]. The same nucleotide change resulting in the same amino acid change has been previously reported as pathogenic/likely pathogenic with strong evidence (ClinVar ID: VCV000449901). Different missense changes at the same codon (p.Ile138Thr, p.Ile138Val) have been reported to be associated with SCN1A-related disorder (ClinVar ID: VCV003067895 /PMID: 23808377). Therefore, this variant is classified as Likely pathogenic according to the recommendation of ACMG/AMP guideline.

Labcorp Genetics (formerly Invitae), Labcorp
Classification: Pathogenic for Early-infantile DEE. Last evaluated: 2022-10-25. Review status: criteria provided, single submitter. Criteria: Invitae Variant Classification Sherloc (09022015). Collection method: clinical testing. Allele origin: germline.
Comment: For these reasons, this variant has been classified as Pathogenic. This variant disrupts the p.Ile138 amino acid residue in SCN1A. Other variant(s) that disrupt this residue have been determined to be pathogenic (PMID: 23808377). This suggests that this residue is clinically significant, and that variants that disrupt this residue are likely to be disease-causing. Advanced modeling of protein sequence and biophysical properties (such as structural, functional, and spatial information, amino acid conservation, physicochemical variation, residue mobility, and thermodynamic stability) performed at Invitae indicates that this missense variant is expected to disrupt SCN1A protein function. This sequence change replaces isoleucine, which is neutral and non-polar, with serine, which is neutral and polar, at codon 138 of the SCN1A protein (p.Ile138Ser). ClinVar contains an entry for this variant (Variation ID: 449901). This missense change has been observed in individuals with clinical features of SCN1A-related conditions (Invitae). This variant is not present in population databases (gnomAD no frequency).

Literature cited by the submitters: PubMed 23808377 (cited by 3billion and Labcorp Genetics (formerly Invitae), Labcorp).